The following is an entry in ClinVar:

NM_018897.3(DNAH7):c.295C>G (p.Gln99Glu)

Gene: DNAH7 (dynein axonemal heavy chain 7; minus strand). Cytogenetic location: 2q32.3.
Variant type: single nucleotide variant.
Coding change: c.295C>G on transcript NM_018897.3 (MANE Select); coding-DNA position 295, C replaced by G.
Protein change: p.Gln99Glu; replaces glutamine 99 with glutamic acid.
Molecular consequence: missense variant.
Genome position (GRCh38, 1-based): chr2:196,047,455, G>C on the plus strand (C>G on the coding strand, the complement: DNAH7 is on the minus strand). VCF-style: chr2-196047455-G-C. GRCh37 (hg19) VCF-style: chr2-196912179-G-C.
Other names: short protein forms Q99E.
Identifiers: ClinVar variation 3346624 (VCV003346624.1).

ClinVar aggregate classification (germline): Benign (0 of 4 stars; one submission).

Conditions:
DNAH7-related disorder. Also called: DNAH7-related condition.

gnomAD v4.1: 17,035 of 1,600,346 alleles (1.1%); highest among the groups gnomAD compares: African/African-American, 10%; 624 homozygotes.

Submission:

PreventionGenetics, part of Exact Sciences
Classification: Benign for DNAH7-related condition. Last evaluated: 2024-08-31. Review status: no assertion criteria provided. Collection method: clinical testing. Allele origin: germline.
Comment: This variant is classified as benign based on ACMG/AMP sequence variant interpretation guidelines (Richards et al. 2015 PMID: 25741868, with internal and published modifications).